The following is an entry in ClinVar:

NM_173076.3(ABCA12):c.5939+1G>A

Genes: ABCA12 (ATP binding cassette subfamily A member 12; minus strand), SNHG31 (small nucleolar RNA host gene 31; plus strand). Cytogenetic location: 2q35.
Variant type: single nucleotide variant.
Coding change: c.5939+1G>A on transcript NM_173076.3 (MANE Select); the canonical splice donor site of the intron after coding-DNA position 5939, G replaced by A.
Molecular consequence: splice donor variant.
Genome position (GRCh38, 1-based): chr2:214,959,023, C>T on the plus strand (G>A on the coding strand, the complement: ABCA12 is on the minus strand). VCF-style: chr2-214959023-C-T. GRCh37 (hg19) VCF-style: chr2-215823747-C-T.
Other names: c.4985+1G>A (NM_015657.4).
Identifiers: ClinVar variation 2795277 (VCV002795277.3), dbSNP rs758166174, ClinGen allele CA2091060.

ClinVar aggregate classification (germline): Pathogenic (1 of 4 stars; one submission).

Allele frequency attached by ClinVar (database versions not stated): gnomAD exomes below 0.00001; ExAC 0.00002; TOPMed 0.00002.
gnomAD v4.1: 6 of 1,613,598 alleles (0.00037%); highest among the groups gnomAD compares: Admixed American, 0.0033%; no homozygotes.

Submission:

Labcorp Genetics (formerly Invitae), Labcorp
Classification: Pathogenic. Last evaluated: 2023-07-28. Review status: criteria provided, single submitter. Criteria: Invitae Variant Classification Sherloc (09022015). Collection method: clinical testing. Allele origin: germline.
Comment: For these reasons, this variant has been classified as Pathogenic. Algorithms developed to predict the effect of sequence changes on RNA splicing suggest that this variant may disrupt the consensus splice site. Disruption of this splice site has been observed in individual(s) with congenital icthyosis (PMID: 36980989). This variant is present in population databases (rs758166174, gnomAD 0.009%). This sequence change affects a donor splice site in intron 40 of the ABCA12 gene. It is expected to disrupt RNA splicing. Variants that disrupt the donor or acceptor splice site typically lead to a loss of protein function (PMID: 16199547), and loss-of-function variants in ABCA12 are known to be pathogenic (PMID: 20672373).

Literature cited by the submitters: PubMed 36980989; PubMed 16199547; PubMed 20672373.